The following is an entry in ClinVar:

NM_001009944.3(PKD1):c.12139-5C>T

Gene: PKD1 (polycystin 1, transient receptor potential channel interacting; minus strand). Cytogenetic location: 16p13.3.
Variant type: single nucleotide variant.
Coding change: c.12139-5C>T on transcript NM_001009944.3 (MANE Select); 5 bases into the intron before coding-DNA position 12139, C replaced by T.
Molecular consequence: intron variant.
Genome position (GRCh38, 1-based): chr16:2,090,595, G>A on the plus strand (C>T on the coding strand, the complement: PKD1 is on the minus strand). VCF-style: chr16-2090595-G-A. GRCh37 (hg19) VCF-style: chr16-2140596-G-A.
Other names: p.?; c.12136-5C>T (NM_000296.4).
Identifiers: ClinVar variation 256914 (VCV000256914.47), dbSNP rs146430229, ClinGen allele CA7828757.
Genomic context (GRCh38, chr16:2,090,595, plus strand): 5'-AGCACCAACAGGGCCTGGGCCACGCTCCAGAGGGAGTCCACACAGGAAGACACGAGCTGC[G>A]GGGAAGGCGACACCAGTGAGGGCGTACAGCTGAGCTGAGCTGAGCTAAGACGCCCTCCCC-3'

ClinVar aggregate classification (germline): Benign/Likely benign. Review status: criteria provided, multiple submitters, no conflicts (2 of 4 stars). 10 submissions from 10 submitters: Benign (2); Likely benign (7). 1 of the submissions does not count toward it. Last evaluated 2025-10-01.

Conditions:
Polycystic kidney disease, adult type (PKD1). Also called: POLYCYSTIC KIDNEY DISEASE 1 WITH OR WITHOUT POLYCYSTIC LIVER DISEASE; Polycystic Kidney Disease 1, Autosomal Dominant; Polycystic kidney disease 1; Polycystic kidney disease 1, severe; Polycystic Kidney, Autosomal Dominant; POLYCYSTIC KIDNEY DISEASE, ADULT, TYPE I. Identifiers: MedGen C3149841, MONDO:0008263, OMIM 173900.
Polycystic kidney disease. Also called: Kidney, Polycystic; Polycystic kidney dysplasia. Identifiers: MedGen C0022680, MeSH D007690, MONDO:0020642, HP:0000113.

Allele frequency attached by ClinVar (database versions not stated): 1000 Genomes Project 30x 0.00047; gnomAD exomes 0.00054 and 0.00071; gnomAD 0.00055 and 0.00063; 1000 Genomes Project 0.00060; ExAC 0.00066; ESP Exome Variant Server 0.00069; TOPMed 0.00083.
gnomAD v4.1: 1,130 of 1,608,366 alleles (0.07%); highest among the groups gnomAD compares: Middle Eastern, 0.2%; no homozygotes.

Submissions (10):

CeGaT Center for Human Genetics Tuebingen
Classification: Benign. Last evaluated: 2025-10-01. Review status: criteria provided, single submitter. Criteria: CeGaT Center For Human Genetics Tuebingen Variant Classification Criteria Version 2. Collection method: clinical testing. Allele origin: germline. Affected: yes. Observed: 8 variant alleles.
Comment: PKD1: BS1, BS2

Mayo Clinic Laboratories, Mayo Clinic
Classification: Likely benign. Last evaluated: 2025-09-05. Review status: criteria provided, single submitter. Criteria: ACMG Guidelines, 2015. Collection method: clinical testing. Allele origin: germline. Observed: 2 variant alleles.
Comment: BS1, BP4, BP7

Women's Health and Genetics/Laboratory Corporation of America, LabCorp
Classification: Likely benign. Last evaluated: 2025-06-18. Review status: criteria provided, single submitter. Criteria: LabCorp Variant Classification Summary - May 2015. Collection method: clinical testing. Allele origin: germline.
Comment: Variant summary: PKD1 c.12139-5C>T alters a nucleotide located at a position not widely known to affect splicing. The variant allele was found at a frequency of 0.00054 in 240534 control chromosomes, predominantly at a frequency of 0.0011 within the Non-Finnish European subpopulation in the gnomAD database. This frequency is not significantly higher than estimated for a pathogenic variant in PKD1 causing PKD1-Biallelic Autosomal Recessive Polycystic Kidney Disease, allowing no conclusion about variant significance. To our knowledge, no occurrence of c.12139-5C>T in individuals affected with PKD1-Biallelic Autosomal Recessive Polycystic Kidney Disease and no experimental evidence demonstrating its impact on protein function have been reported. ClinVar contains an entry for this variant (Variation ID: 256914). Based on the evidence outlined above, the variant was classified as likely benign.

Blueprint Genetics
Classification: Likely benign. Last evaluated: 2024-11-24. Review status: criteria provided, single submitter. Criteria: ACMG Guidelines, 2015. Collection method: clinical testing. Allele origin: germline.

GeneDx
Classification: Likely benign. Last evaluated: 2021-09-07. Review status: criteria provided, single submitter. Criteria: GeneDx Variant Classification Process June 2021. Collection method: clinical testing. Allele origin: germline. Affected: yes.

Fulgent Genetics
Classification: Likely benign for Polycystic kidney disease, adult type. Last evaluated: 2021-08-18. Review status: criteria provided, single submitter. Criteria: ACMG Guidelines, 2015. Collection method: clinical testing. Allele origin: unknown.

ARUP Laboratories, Molecular Genetics and Genomics, ARUP Laboratories
Classification: Likely benign for Polycystic kidney disease, adult type. Last evaluated: 2020-02-28. Review status: criteria provided, single submitter. Criteria: ARUP Molecular Germline Variant Investigation Process. Collection method: clinical testing. Allele origin: germline.

Athena Diagnostics
Classification: Benign. Last evaluated: 2018-05-21. Review status: criteria provided, single submitter. Criteria: Athena Diagnostics Criteria. Collection method: clinical testing. Allele origin: germline.

PreventionGenetics, part of Exact Sciences
Classification: Likely benign. Review status: criteria provided, single submitter. Criteria: ACMG Guidelines, 2015. Collection method: clinical testing. Allele origin: germline.

Department of Pathology and Laboratory Medicine, Sinai Health System
Classification: Likely benign for Polycystic Kidney disease. Review status: no assertion criteria provided. Collection method: clinical testing. Allele origin: unknown. Affected: yes. Observed: 1 variant allele. Study: The Canadian Open Genetics Repository (COGR). Not counted in ClinVar's aggregate classification.
Comment: The PKD1 c.12139-5C>T variant was not identified in the literature nor was it identified in the COGR, LOVD 3.0, or PKD1-LOVD database. The variant was identified in the following databases: dbSNP (ID: rs146430229) as With Likely benign allele, ClinVar (classified as likely benign by Prevention Genetics), and ADPKD Mutation Database (classified as likely neutral). The variant was identified in control databases in 145 of 267766 chromosomes at a frequency of 0.000542 in the following populations: European in 126 of 122526 chromosomes (freq. 0.001), Latino in 10 of 34254 chromosomes (freq. 0.0003), African in 5 of 23542 chromosomes (freq. 0.0002), Other in 2 of 6342 chromosomes, increasing the likelihood this could be a low frequency variant (Genome Aggregation Consortium Feb 27, 2017). The c.12139-5C>T variant is located in the 3' splice region but does not affect the invariant -1 and -2 positions. However, positions -3 and -5 to -12 are part of the splicing consensus sequence and variants involving these positions sometimes affect splicing. However, in silico or computational prediction software programs (SpliceSiteFinder, MaxEntScan, NNSPLICE, GeneSplicer, HumanSpliceFinder) do not predict a difference in splicing. In summary, based on the above information, the clinical significance of this variant cannot be determined with certainty at this time although we would lean towards a more benign role for this variant. This variant is classified as likely benign.